The following is an entry in ClinVar:

NM_000155.4(GALT):c.314dup (p.Asp105fs)

Gene: GALT (galactose-1-phosphate uridylyltransferase; plus strand). Cytogenetic location: 9p13.3.
Variant type: Duplication.
Coding change: c.314dup on transcript NM_000155.4 (MANE Select); coding-DNA position 314, one base duplicated (A; older notation c.314dupA).
Protein change: p.Asp105fs; shifts the reading frame from aspartic acid 105.
Molecular consequence: frameshift variant. On other transcripts: intron variant (1).
Genome position (GRCh38, 1-based): chr9:34,647,553, A duplicated. VCF-style (leftmost placement, unchanged base first): chr9-34647552-G-GA. GRCh37 (hg19) VCF-style: chr9-34647549-G-GA.
Other names: c.51-279dup (NM_001258332.2); short protein forms D105fs.
Identifiers: ClinVar variation 5004460 (VCV005004460.1).

ClinVar aggregate classification (germline): Pathogenic (1 of 4 stars; one submission).

Conditions:
Deficiency of UDPglucose-hexose-1-phosphate uridylyltransferase. Also called: GALACTOSE-1-PHOSPHATE URIDYLYLTRANSFERASE DEFICIENCY; GALT deficiency; Galactosemia, classic; GALACTOSEMIA I; Transferase Deficiency Galactosemia. Identifiers: Orphanet 352, Orphanet 79239, MedGen C0268151, MONDO:0009258, OMIM 230400.

Submission:

Myriad Genetics, Inc.
Classification: Pathogenic for Deficiency of UDPglucose-hexose-1-phosphate uridylyltransferase. Last evaluated: 2026-02-10. Review status: criteria provided, single submitter. Criteria: Myriad Autosomal Dominant, Autosomal Recessive and X-Linked Classification Criteria (2023). Collection method: clinical testing. Allele origin: unknown.
Comment: NM_000155.3(GALT):c.314dupA(D105Efs*9) is a frameshift variant classified as pathogenic in the context of galactosemia. D105Efs*9 has not been observed in cases with relevant disease. Relevant functional assessments of this variant are not available in the literature. D105Efs*9 has not been observed in referenced population frequency databases. In summary, NM_000155.3(GALT):c.314dupA(D105Efs*9) is a frameshift variant in a gene where loss of function is a known mechanism of disease and is predicted to disrupt protein function. Please note: this variant was assessed in the context of healthy population screening.